The following is an entry in ClinVar:

NM_002474.3(MYH11):c.1750-4G>T

Gene: MYH11 (myosin heavy chain 11; minus strand). Cytogenetic location: 16p13.11.
Variant type: single nucleotide variant.
Coding change: c.1750-4G>T on transcript NM_002474.3 (MANE Select); 4 bases into the intron before coding-DNA position 1750, G replaced by T.
Molecular consequence: intron variant.
Genome position (GRCh38, 1-based): chr16:15,753,512, C>A on the plus strand (G>T on the coding strand, the complement: MYH11 is on the minus strand). VCF-style: chr16-15753512-C-A. GRCh37 (hg19) VCF-style: chr16-15847369-C-A.
Other names: c.1750-4G>T (NM_022844.3); c.1771-4G>T (NM_001040114.2, NM_001040113.2).
Identifiers: ClinVar variation 3387231 (VCV003387231.1).
Genomic context (GRCh38, chr16:15,753,512, plus strand): 5'-GTTGTCATTCAGCGGGTCCATATTCTTGGTCAGCCAGGCACTCGCATTATAGTCCACCTG[C>A]CAAGGACACCCTGCTGGTCAGAACCCCTGGGAAACTAGAAACTTAGAAACCAAGGCCAGG-3'

ClinVar aggregate classification (germline): Likely benign (1 of 4 stars; one submission).

Conditions:
Familial thoracic aortic aneurysm and aortic dissection (TAAD). Also called: Thoracic aortic aneurysms and dissections. Identifiers: Orphanet 91387, MedGen C4707243, MONDO:0019625.

gnomAD v4.1: 1 of 1,610,450 alleles (0.000062%); highest among the groups gnomAD compares: South Asian, 0.0011%; no homozygotes.

Submission:

All of Us Research Program, National Institutes of Health
Classification: Likely benign for Familial thoracic aortic aneurysm and aortic dissection. Last evaluated: 2024-06-09. Review status: criteria provided, single submitter. Criteria: ACMG Guidelines, 2015. Collection method: clinical testing. Allele origin: germline. Inheritance: Autosomal dominant inheritance. Observed: 1 variant allele, 1 heterozygote.
Comment: This study involves interpretation of variants in research participants for the purpose of population health screening. Participant phenotype was not available at the time of variant classification. Additional details can be found in publication PMID: 35346344, PMCID: PMC8962531